The following is an entry in ClinVar:

ClinVar aggregate classification (germline): Uncertain significance. Review status: criteria provided, multiple submitters, no conflicts (2 of 4 stars). 2 submissions from 2 submitters: Uncertain significance (2). Last evaluated 2025-10-22.

Conditions:
Hereditary nonpolyposis colorectal neoplasms. Identifiers: MedGen C0009405, MeSH D003123.
Hereditary cancer-predisposing syndrome. Also called: Neoplastic Syndromes, Hereditary; Tumor predisposition; Hereditary Cancer Syndrome; Hereditary neoplastic syndrome. Identifiers: Orphanet 140162, MedGen C0027672, MeSH D009386, MONDO:0015356.

Allele frequency attached by ClinVar (database versions not stated): gnomAD exomes below 0.00001.
gnomAD v4.1: 5 of 1,606,194 alleles (0.00031%); highest among the groups gnomAD compares: Non-Finnish European, 0.00017%; no homozygotes.

Submissions (2):

Ambry Genetics
Classification: Uncertain significance for Hereditary cancer-predisposing syndrome. Last evaluated: 2025-10-22. Review status: criteria provided, single submitter. Criteria: Ambry Variant Classification Scheme 2023. Collection method: clinical testing. Allele origin: germline.
Comment: The p.Y707H variant (also known as c.2119T>C), located in coding exon 12 of the PMS2 gene, results from a T to C substitution at nucleotide position 2119. The tyrosine at codon 707 is replaced by histidine, an amino acid with similar properties. This amino acid position is highly conserved in available vertebrate species. In addition, this alteration is predicted to be deleterious by in silico analysis. Since supporting evidence is limited at this time, the clinical significance of this alteration remains unclear.

Labcorp Genetics (formerly Invitae), Labcorp
Classification: Uncertain significance for Hereditary nonpolyposis colorectal neoplasms. Last evaluated: 2025-09-24. Review status: criteria provided, single submitter. Criteria: Invitae Variant Classification Sherloc (09022015). Collection method: clinical testing. Allele origin: germline.
Comment: This sequence change replaces tyrosine, which is neutral and polar, with histidine, which is basic and polar, at codon 707 of the PMS2 protein (p.Tyr707His). The frequency data for this variant in the population databases (gnomAD) is considered unreliable due to the presence of homologous sequence, such as pseudogenes or paralogs, in the genome. This variant has not been reported in the literature in individuals affected with PMS2-related conditions. ClinVar contains an entry for this variant (Variation ID: 820656). Invitae Evidence Modeling incorporating data from in vitro experimental studies (internal data) indicates that this missense variant is not expected to disrupt PMS2 function with a negative predictive value of 95%. In summary, the available evidence is currently insufficient to determine the role of this variant in disease. Therefore, it has been classified as a Variant of Uncertain Significance.

NM_000535.7(PMS2):c.2119T>C (p.Tyr707His)

Gene: PMS2 (PMS1 homolog 2, mismatch repair system component; minus strand). Cytogenetic location: 7p22.1.
Variant type: single nucleotide variant.
Coding change: c.2119T>C on transcript NM_000535.7 (MANE Select); coding-DNA position 2119, T replaced by C.
Protein change: p.Tyr707His; replaces tyrosine 707 with histidine.
Molecular consequence: missense variant. On other transcripts: non-coding transcript variant (1).
Genome position (GRCh38, 1-based): chr7:5,982,879, A>G on the plus strand (T>C on the coding strand, the complement: PMS2 is on the minus strand). VCF-style: chr7-5982879-A-G. GRCh37 (hg19) VCF-style: chr7-6022510-A-G.
Other names: c.1714T>C, p.Tyr572His (NM_001322003.2, NM_001322004.2, NM_001322005.2 and 1 more transcripts); c.1963T>C, p.Tyr655His (NM_001322006.2); c.1801T>C, p.Tyr601His (NM_001322007.2, NM_001322008.2); c.1558T>C, p.Tyr520His (NM_001322010.2); c.1186T>C, p.Tyr396His (NM_001322011.2, NM_001322012.2); c.1546T>C, p.Tyr516His (NM_001322013.2); c.2119T>C, p.Tyr707His (NM_001322014.2); c.1810T>C, p.Tyr604His (NM_001322015.2); short protein forms Y655H, Y396H, Y516H, Y520H, Y572H, Y601H, Y604H, Y707H.
Identifiers: ClinVar variation 820656 (VCV000820656.13), dbSNP rs1583298644, ClinGen allele CA366737955.